The following is an entry in ClinVar:

NM_031935.3(HMCN1):c.698T>C (p.Val233Ala)

Gene: HMCN1 (hemicentin 1; plus strand). Cytogenetic location: 1q31.1.
Variant type: single nucleotide variant.
Coding change: c.698T>C on transcript NM_031935.3 (MANE Select); coding-DNA position 698, T replaced by C.
Protein change: p.Val233Ala; replaces valine 233 with alanine.
Molecular consequence: missense variant.
Genome position (GRCh38, 1-based): chr1:185,909,413, T>C. VCF-style: chr1-185909413-T-C. GRCh37 (hg19) VCF-style: chr1-185878545-T-C.
Other names: c.698T>C (NM_031935.2); short protein forms V233A.
Identifiers: ClinVar variation 2079004 (VCV002079004.7), dbSNP rs141324048, ClinGen allele CA1290919.

ClinVar aggregate classification (germline): Conflicting classifications of pathogenicity. Review status: criteria provided, conflicting classifications (1 of 4 stars). 3 submissions from 3 submitters: Uncertain significance (1); Likely benign (1). 1 of the submissions does not count toward it. Last evaluated 2026-01-06.

Conditions:
HMCN1-related disorder. Also called: HMCN1-related condition.

Allele frequency attached by ClinVar (database versions not stated): gnomAD exomes 0.00003; ExAC 0.00009; 1000 Genomes Project 30x 0.00016; 1000 Genomes Project 0.00020; TOPMed 0.00036; gnomAD 0.00037; ESP Exome Variant Server 0.00038.
gnomAD v4.1: 109 of 1,613,538 alleles (0.0068%); highest among the groups gnomAD compares: African/African-American, 0.13%; no homozygotes.

Submissions (3):

Labcorp Genetics (formerly Invitae), Labcorp
Classification: Likely benign. Last evaluated: 2026-01-06. Review status: criteria provided, single submitter. Criteria: Invitae Variant Classification Sherloc (09022015). Collection method: clinical testing. Allele origin: germline.

Ambry Genetics
Classification: Uncertain significance. Last evaluated: 2024-04-15. Review status: criteria provided, single submitter. Criteria: Ambry Variant Classification Scheme 2023. Collection method: clinical testing. Allele origin: germline.

PreventionGenetics, part of Exact Sciences
Classification: Likely benign for HMCN1-related condition. Last evaluated: 2023-10-10. Review status: no assertion criteria provided. Collection method: clinical testing. Allele origin: germline. Not counted in ClinVar's aggregate classification.
Comment: This variant is classified as likely benign based on ACMG/AMP sequence variant interpretation guidelines (Richards et al. 2015 PMID: 25741868, with internal and published modifications).